The following is an entry in ClinVar:

ClinVar aggregate classification (germline): Conflicting classifications of pathogenicity. Review status: criteria provided, conflicting classifications (1 of 4 stars). 3 submissions from 3 submitters: Uncertain significance (2); Likely benign (1). Last evaluated 2025-09-28.

Conditions:
BEST1-related disorder. Also called: BEST1-related disorders; BEST1-related condition. Identifiers: MedGen CN239200.
Retinal dystrophy. Also called: Inherited retinal dystrophy. Identifiers: Orphanet 71862, MedGen C0854723, MeSH D058499, MONDO:0019118, HP:0000556.

Allele frequency attached by ClinVar (database versions not stated): gnomAD exomes 0.00010 and 0.00003; 1000 Genomes Project 30x 0.00031; gnomAD 0.00012; ExAC 0.00011; TOPMed 0.00015; 1000 Genomes Project 0.00040.
gnomAD v4.1: 66 of 1,613,310 alleles (0.0041%); highest among the groups gnomAD compares: East Asian, 0.047%; no homozygotes.

Submissions (3):

Labcorp Genetics (formerly Invitae), Labcorp
Classification: Likely benign. Last evaluated: 2025-09-28. Review status: criteria provided, single submitter. Criteria: Invitae Variant Classification Sherloc (09022015). Collection method: clinical testing. Allele origin: germline.

Dept Of Ophthalmology, Nagoya University
Classification: Uncertain significance for Retinal dystrophy. Last evaluated: 2023-10-01. Review status: criteria provided, single submitter. Criteria: Submitter's publication. Collection method: research. Allele origin: germline. Affected: yes.

PreventionGenetics, part of Exact Sciences
Classification: Uncertain significance for BEST1-related condition. Last evaluated: 2023-07-11. Review status: criteria provided, single submitter. Criteria: ACMG Guidelines, 2015. Collection method: clinical testing. Allele origin: germline.
Comment: The BEST1 c.992G>A variant is predicted to result in the amino acid substitution p.Arg331Gln. To our knowledge, this variant has not been reported in the literature. This variant is reported in 0.081% of alleles in individuals of East Asian descent in gnomAD which is likely too common to be an unreported disease-causing variant. Although we suspect that this variant may be benign, at this time, the clinical significance of this variant is uncertain due to the absence of conclusive functional and genetic evidence.

NM_004183.4(BEST1):c.992G>A (p.Arg331Gln)

Gene: BEST1 (bestrophin 1; plus strand). Cytogenetic location: 11q12.3.
Variant type: single nucleotide variant.
Coding change: c.992G>A on transcript NM_004183.4 (MANE Select); coding-DNA position 992, G replaced by A.
Protein change: p.Arg331Gln; replaces arginine 331 with glutamine.
Molecular consequence: missense variant. On other transcripts: non-coding transcript variant (1).
Genome position (GRCh38, 1-based): chr11:61,959,935, G>A. VCF-style: chr11-61959935-G-A. GRCh37 (hg19) VCF-style: chr11-61727407-G-A.
Other names: c.812G>A, p.Arg271Gln (NM_001139443.3, NM_001300787.2); c.731G>A, p.Arg244Gln (NM_001300786.2); c.674G>A, p.Arg225Gln (NM_001363591.3); c.1195G>A, p.Gly399Arg (NM_001363592.2); c.20G>A, p.Arg7Gln (NM_001363593.3); short protein forms R225Q, R244Q, G399R, R7Q, R271Q, R331Q.
Identifiers: ClinVar variation 940070 (VCV000940070.11), dbSNP rs201386186, ClinGen allele CA6040963.